The following is an entry in ClinVar:

NM_001042492.3(NF1):c.3707G>A (p.Trp1236Ter)

Gene: NF1 (neurofibromin 1; plus strand). Cytogenetic location: 17q11.2.
Variant type: single nucleotide variant.
Coding change: c.3707G>A on transcript NM_001042492.3 (MANE Select); coding-DNA position 3707, G replaced by A.
Protein change: p.Trp1236Ter; replaces tryptophan 1236 with a stop codon.
Molecular consequence: nonsense.
Genome position (GRCh38, 1-based): chr17:31,233,212, G>A. VCF-style: chr17-31233212-G-A. GRCh37 (hg19) VCF-style: chr17-29560230-G-A.
Other names: c.3707G>A, p.Trp1236Ter (NM_000267.4); short protein forms W1236*.
Identifiers: ClinVar variation 527476 (VCV000527476.11), dbSNP rs1252674239, ClinGen allele CA398990770.

ClinVar aggregate classification (germline): Pathogenic. Review status: criteria provided, multiple submitters, no conflicts (2 of 4 stars). 5 submissions from 5 submitters: Pathogenic (4). 1 of the submissions does not count toward it. Last evaluated 2025-09-10.

Conditions:
Cardiovascular phenotype. Identifiers: MedGen CN230736.
Hereditary cancer-predisposing syndrome. Also called: Tumor predisposition; Neoplastic Syndromes, Hereditary; Hereditary Cancer Syndrome; Hereditary neoplastic syndrome. Identifiers: Orphanet 140162, MedGen C0027672, MeSH D009386, MONDO:0015356.
Neurofibromatosis, type 1 (NF1). Also called: Neurofibromatosis, type I; NEUROFIBROMATOSIS, TYPE I, SOMATIC; Peripheral type neurofibromatosis; VON RECKLINGHAUSEN DISEASE. Identifiers: Orphanet 636, MedGen C0027831, MONDO:0018975, OMIM 162200. Disease mechanism: loss of function.

Submissions (5):

Genomic Medicine Center of Excellence, King Faisal Specialist Hospital and Research Centre
Classification: Pathogenic for Neurofibromatosis, type 1. Last evaluated: 2025-09-10. Review status: criteria provided, single submitter. Criteria: ACMG Guidelines, 2015. Collection method: clinical testing. Allele origin: germline.

Ambry Genetics
Classification: Pathogenic for Cardiovascular phenotype; Hereditary cancer-predisposing syndrome. Last evaluated: 2025-06-12. Review status: criteria provided, single submitter. Criteria: Ambry Variant Classification Scheme 2023. Collection method: clinical testing. Allele origin: germline.
Comment: The p.W1236* pathogenic mutation (also known as c.3707G>A), located in coding exon 27 of the NF1 gene, results from a G to A substitution at nucleotide position 3707. This changes the amino acid from a tryptophan to a stop codon within coding exon 27. This alteration was identified in 1 individual(s) from a cohort of 521 German and Turkish patients with a clinical diagnosis of neurofibromatosis type I (Fahsold R et al. Am J Hum Genet, 2000 Mar;66:790-818). This variant is considered to be rare based on population cohorts in the Genome Aggregation Database (gnomAD). This alteration is expected to result in loss of function by premature protein truncation or nonsense-mediated mRNA decay. As such, this alteration is interpreted as a disease-causing mutation.

GeneDx
Classification: Pathogenic. Last evaluated: 2024-11-04. Review status: criteria provided, single submitter. Criteria: GeneDx Variant Classification Process June 2021. Collection method: clinical testing. Allele origin: germline. Affected: yes.
Comment: Nonsense variant predicted to result in protein truncation or nonsense mediated decay in a gene for which loss of function is a known mechanism of disease; Not observed at significant frequency in large population cohorts (gnomAD); This variant is associated with the following publications: (PMID: 25525159, 29673180, 10712197)

Labcorp Genetics (formerly Invitae), Labcorp
Classification: Pathogenic for Neurofibromatosis, type 1. Last evaluated: 2023-11-06. Review status: criteria provided, single submitter. Criteria: Invitae Variant Classification Sherloc (09022015). Collection method: clinical testing. Allele origin: germline.
Comment: This sequence change creates a premature translational stop signal (p.Trp1236*) in the NF1 gene. It is expected to result in an absent or disrupted protein product. Loss-of-function variants in NF1 are known to be pathogenic (PMID: 10712197, 23913538). This variant is not present in population databases (gnomAD no frequency). This premature translational stop signal has been observed in individual(s) with neurofibromatosis type 1 (NF1) (PMID: 10712197, 29673180). ClinVar contains an entry for this variant (Variation ID: 527476). For these reasons, this variant has been classified as Pathogenic.

Molecular Genetics Laboratory, BC Children's and BC Women's Hospitals
Classification: Pathogenic for Neurofibromatosis, type 1. Last evaluated: 2026-04-22. Review status: no assertion criteria provided. Criteria: ACMG Guidelines, 2015. Collection method: clinical testing. Allele origin: unknown. Affected: yes. Not counted in ClinVar's aggregate classification.

Literature cited by the submitters: PubMed 10712197 (cited by Ambry Genetics and Labcorp Genetics (formerly Invitae), Labcorp); PubMed 23913538 (cited by Labcorp Genetics (formerly Invitae), Labcorp); PubMed 29673180 (cited by Labcorp Genetics (formerly Invitae), Labcorp).